The following is an entry in ClinVar:

NM_000521.4(HEXB):c.1160A>G (p.Tyr387Cys)

Gene: HEXB (hexosaminidase subunit beta; plus strand). Cytogenetic location: 5q13.3.
Variant type: single nucleotide variant.
Coding change: c.1160A>G on transcript NM_000521.4 (MANE Select); coding-DNA position 1160, A replaced by G.
Protein change: p.Tyr387Cys; replaces tyrosine 387 with cysteine.
Molecular consequence: missense variant.
Genome position (GRCh38, 1-based): chr5:74,716,664, A>G. VCF-style: chr5-74716664-A-G. GRCh37 (hg19) VCF-style: chr5-74012489-A-G.
Other names: c.485A>G, p.Tyr162Cys (NM_001292004.2); short protein forms Y162C, Y387C.
Identifiers: ClinVar variation 4819009 (VCV004819009.1).

ClinVar aggregate classification (germline): Likely pathogenic (1 of 4 stars; one submission).

Conditions:
Sandhoff disease. Also called: Beta-hexosaminidase-beta-subunit deficiency; GM2 gangliosidosis, type 2; Total hexosaminidase deficiency; Sandhoff-Jatzkewitz-Pilz disease; GM2-GANGLIOSIDOSIS, TYPE II; HEXOSAMINIDASES A AND B DEFICIENCY. Identifiers: Orphanet 796, MedGen C0036161, MONDO:0010006, OMIM 268800.

gnomAD v4.1: 1 of 1,593,480 alleles (0.000063%); highest among the groups gnomAD compares: Non-Finnish European, 0.000086%; no homozygotes.

Submission:

Victorian Clinical Genetics Services, Murdoch Childrens Research Institute
Classification: Likely pathogenic for Sandhoff disease. Last evaluated: 2025-12-18. Review status: criteria provided, single submitter. Criteria: ACMG Guidelines, 2015. Collection method: clinical testing. Allele origin: germline.
Comment: This variant is classified as Likely pathogenic. Evidence in support of pathogenic classification: Variant is present in gnomAD <0.01 for a recessive condition (v4: 1 heterozygote(s), 0 homozygote(s)); Missense variant predicted to be damaging by in silico tool(s) or highly conserved with a major amino acid change; Heterozygous variant detected in trans with a second PATHOGENIC heterozygous copy number variant (NC_000005.10:g.74683305_74698046del) in a recessive disease. Additional information: Variant is predicted to result in a missense amino acid change from Tyr to Cys; This gene is associated with autosomal recessive disease; Alternative amino acid change(s) at the same position are present in gnomAD (highest allele count: v4: 1 heterozygote(s), 0 homozygote(s)); This variant has no previous evidence of pathogenicity; No published evidence of segregation with disease has been identified for this variant; No published functional evidence has been identified for this variant; No comparable missense variants have previous evidence for pathogenicity; Variant is located in the annotated glycosyl hydrolase family 20, catalytic domain (DECIPHER); Loss of function is a known mechanism of disease in this gene and is associated with Sandhoff disease, infantile, juvenile, and adult forms (MIM#268800); Inheritance information for this variant is not currently available in this individual.